The following is an entry in ClinVar:

NM_005070.4(SLC4A3):c.3307C>T (p.Arg1103Cys)

Gene: SLC4A3 (solute carrier family 4 member 3; plus strand). Cytogenetic location: 2q35.
Variant type: single nucleotide variant.
Coding change: c.3307C>T on transcript NM_005070.4 (MANE Select); coding-DNA position 3307, C replaced by T.
Protein change: p.Arg1103Cys; replaces arginine 1103 with cysteine.
Molecular consequence: missense variant. On other transcripts: non-coding transcript variant (1).
Genome position (GRCh38, 1-based): chr2:219,640,459, C>T. VCF-style: chr2-219640459-C-T. GRCh37 (hg19) VCF-style: chr2-220505181-C-T.
Other names: p.Arg1130Cys; c.3388C>T, p.Arg1130Cys (NM_001326559.2, NM_201574.3); short protein forms R1103C, R1130C.
Identifiers: ClinVar variation 3379432 (VCV003379432.1).

ClinVar aggregate classification (germline): Uncertain significance (1 of 4 stars; one submission).

gnomAD v4.1: 28 of 1,613,730 alleles (0.0017%); highest among the groups gnomAD compares: African/African-American, 0.004%; no homozygotes.

Submission:

Mayo Clinic Laboratories, Mayo Clinic
Classification: Uncertain significance. Last evaluated: 2024-02-22. Review status: criteria provided, single submitter. Criteria: ACMG Guidelines, 2015. Collection method: clinical testing. Allele origin: germline. Observed: 1 variant allele.
Comment: PP2, PP3